The following is an entry in ClinVar:

NM_004727.3(SLC24A1):c.2665G>A (p.Glu889Lys)

Gene: SLC24A1 (solute carrier family 24 member 1; plus strand). Cytogenetic location: 15q22.31.
Variant type: single nucleotide variant.
Coding change: c.2665G>A on transcript NM_004727.3 (MANE Select); coding-DNA position 2665, G replaced by A.
Protein change: p.Glu889Lys; replaces glutamic acid 889 with lysine.
Molecular consequence: missense variant.
Genome position (GRCh38, 1-based): chr15:65,650,814, G>A. VCF-style: chr15-65650814-G-A. GRCh37 (hg19) VCF-style: chr15-65943152-G-A.
Other names: c.646G>A, p.Glu216Lys (NM_001254740.2); c.2665G>A, p.Glu889Lys (NM_001301031.1); c.2611G>A, p.Glu871Lys (NM_001301032.1, NM_001301033.2); c.2323G>A, p.Glu775Lys (NM_001411142.1); short protein forms E871K, E775K, E889K, E216K.
Identifiers: ClinVar variation 1922364 (VCV001922364.5), dbSNP rs2548426864, ClinGen allele CA392900215.
Genomic context (GRCh38, chr15:65,650,814, plus strand): 5'-CAGGAGGAAGAGGAGGAGGAGGAAGAGCAGGAGGAAGAGGAGGAGGAGGAGGAGGAAGAG[G>A]AGGAGAAGGGAAATGAAGAGCCTCTGTCCCTGGACTGGCCTGAAACCAGGCAGAAGCAGG-3'
Protein context (NP_004718.1, residues 879-899): EEEEEEEEEE[Glu889Lys]EKGNEEPLSL

ClinVar aggregate classification (germline): Uncertain significance (1 of 4 stars; one submission).

Submission:

Labcorp Genetics (formerly Invitae), Labcorp
Classification: Uncertain significance. Last evaluated: 2022-05-17. Review status: criteria provided, single submitter. Criteria: Invitae Variant Classification Sherloc (09022015). Collection method: clinical testing. Allele origin: germline.
Comment: In summary, the available evidence is currently insufficient to determine the role of this variant in disease. Therefore, it has been classified as a Variant of Uncertain Significance. Algorithms developed to predict the effect of missense changes on protein structure and function are either unavailable or do not agree on the potential impact of this missense change (SIFT: "Tolerated"; PolyPhen-2: "Possibly Damaging"; Align-GVGD: "Class C0"). This variant has not been reported in the literature in individuals affected with SLC24A1-related conditions. This variant is not present in population databases (gnomAD no frequency). This sequence change replaces glutamic acid, which is acidic and polar, with lysine, which is basic and polar, at codon 889 of the SLC24A1 protein (p.Glu889Lys).